The following is an entry in ClinVar:

ClinVar aggregate classification (germline): Likely benign (1 of 4 stars; one submission).

Allele frequency attached by ClinVar (database versions not stated): TOPMed 0.00025; gnomAD 0.00027 and 0.00029; gnomAD exomes 0.00027; 1000 Genomes Project 0.00040; 1000 Genomes Project 30x 0.00062; ExAC 0.00064.
gnomAD v4.1: 148 of 456,324 alleles (0.032%); highest among the groups gnomAD compares: South Asian, 0.073%; no homozygotes.

Submission:

GeneDx
Classification: Likely benign. Last evaluated: 2017-04-20. Review status: criteria provided, single submitter. Criteria: GeneDx Variant Classification (06012015). Collection method: clinical testing. Allele origin: germline. Affected: yes.
Comment: This variant is considered likely benign or benign based on one or more of the following criteria: it is a conservative change, it occurs at a poorly conserved position in the protein, it is predicted to be benign by multiple in silico algorithms, and/or has population frequency not consistent with disease.

NM_003283.6(TNNT1):c.-12+15G>A

Gene: TNNT1 (troponin T1, slow skeletal type; minus strand). Cytogenetic location: 19q13.42.
Variant type: single nucleotide variant.
Coding change: c.-12+15G>A on transcript NM_003283.6 (MANE Select); 15 bases into the intron after 12 bases upstream of the start codon, G replaced by A.
Molecular consequence: intron variant.
Genome position (GRCh38, 1-based): chr19:55,149,146, C>T on the plus strand (G>A on the coding strand, the complement: TNNT1 is on the minus strand). VCF-style: chr19-55149146-C-T. GRCh37 (hg19) VCF-style: chr19-55660514-C-T.
Other names: c.-12+15G>A (NM_001126133.3, NM_001126132.3); c.-107+15G>A (NM_001291774.2).
Identifiers: ClinVar variation 330197 (VCV000330197.5), dbSNP rs539247551, ClinGen allele CA9667702.